The following is an entry in ClinVar:

NM_006361.6(HOXB13):c.187T>G (p.Cys63Gly)

Gene: HOXB13 (homeobox B13; minus strand). Cytogenetic location: 17q21.32.
Variant type: single nucleotide variant.
Coding change: c.187T>G on transcript NM_006361.6 (MANE Select); coding-DNA position 187, T replaced by G.
Protein change: p.Cys63Gly; replaces cysteine 63 with glycine.
Molecular consequence: missense variant.
Genome position (GRCh38, 1-based): chr17:48,728,407, A>C on the plus strand (T>G on the coding strand, the complement: HOXB13 is on the minus strand). VCF-style: chr17-48728407-A-C. GRCh37 (hg19) VCF-style: chr17-46805769-A-C.
Other names: short protein forms C63G.
Identifiers: ClinVar variation 1002577 (VCV001002577.9), dbSNP rs758166293, ClinGen allele CA8634049.

ClinVar aggregate classification (germline): Uncertain significance (1 of 4 stars; one submission).

Allele frequency attached by ClinVar (database versions not stated): gnomAD exomes below 0.00001; ExAC 0.00001.

Submission:

Labcorp Genetics (formerly Invitae), Labcorp
Classification: Uncertain significance. Last evaluated: 2024-04-11. Review status: criteria provided, single submitter. Criteria: Invitae Variant Classification Sherloc (09022015). Collection method: clinical testing. Allele origin: germline.
Comment: This sequence change replaces cysteine, which is neutral and slightly polar, with glycine, which is neutral and non-polar, at codon 63 of the HOXB13 protein (p.Cys63Gly). This variant is present in population databases (rs758166293, gnomAD 0.003%). This variant has not been reported in the literature in individuals affected with HOXB13-related conditions. ClinVar contains an entry for this variant (Variation ID: 1002577). Advanced modeling of protein sequence and biophysical properties (such as structural, functional, and spatial information, amino acid conservation, physicochemical variation, residue mobility, and thermodynamic stability) performed at Invitae indicates that this missense variant is not expected to disrupt HOXB13 protein function with a negative predictive value of 80%. In summary, the available evidence is currently insufficient to determine the role of this variant in disease. Therefore, it has been classified as a Variant of Uncertain Significance.